The following is an entry in ClinVar:

ClinVar aggregate classification (germline): Uncertain significance (1 of 4 stars; one submission).

Conditions:
Granulomatous disease, chronic, X-linked. Also called: CYTOCHROME b-NEGATIVE GRANULOMATOUS DISEASE, CHRONIC, X-LINKED; GRANULOMATOUS DISEASE, CHRONIC, X-LINKED, SOMATIC MOSAIC. Identifiers: Orphanet 379, MedGen C1844376, MONDO:0010600, OMIM 306400.

Submission:

Labcorp Genetics (formerly Invitae), Labcorp
Classification: Uncertain significance for Granulomatous disease, chronic, X-linked. Last evaluated: 2026-01-26. Review status: criteria provided, single submitter. Criteria: Invitae Variant Classification Sherloc (09022015). Collection method: clinical testing. Allele origin: germline.
Comment: This sequence change replaces isoleucine, which is neutral and non-polar, with threonine, which is neutral and polar, at codon 419 of the CYBB protein (p.Ile419Thr). This variant is not present in population databases (gnomAD no frequency). This variant has not been reported in the literature in individuals affected with CYBB-related conditions. Invitae Evidence Modeling of protein sequence and biophysical properties (such as structural, functional, and spatial information, amino acid conservation, physicochemical variation, residue mobility, and thermodynamic stability) indicates that this missense variant is not expected to disrupt CYBB protein function with a negative predictive value of 80%. In summary, the available evidence is currently insufficient to determine the role of this variant in disease. Therefore, it has been classified as a Variant of Uncertain Significance.

NM_000397.4(CYBB):c.1256T>C (p.Ile419Thr)

Gene: CYBB (cytochrome b-245 beta chain; plus strand). Cytogenetic location: Xp11.4.
Variant type: single nucleotide variant.
Coding change: c.1256T>C on transcript NM_000397.4 (MANE Select); coding-DNA position 1256, T replaced by C.
Protein change: p.Ile419Thr; replaces isoleucine 419 with threonine.
Molecular consequence: missense variant.
Genome position (GRCh38, 1-based): chrX:37,805,110, T>C. VCF-style: chrX-37805110-T-C. GRCh37 (hg19) VCF-style: chrX-37664363-T-C.
Other names: short protein forms I419T.
Identifiers: ClinVar variation 4761197 (VCV004761197.1).